The following is an entry in ClinVar:

NM_024577.4(SH3TC2):c.3784C>G (p.Gln1262Glu)

Gene: SH3TC2 (SH3 domain and tetratricopeptide repeats 2; minus strand). Cytogenetic location: 5q32.
Variant type: single nucleotide variant.
Coding change: c.3784C>G on transcript NM_024577.4 (MANE Select); coding-DNA position 3784, C replaced by G.
Protein change: p.Gln1262Glu; replaces glutamine 1262 with glutamic acid.
Molecular consequence: missense variant.
Genome position (GRCh38, 1-based): chr5:149,004,794, G>C on the plus strand (C>G on the coding strand, the complement: SH3TC2 is on the minus strand). VCF-style: chr5-149004794-G-C. GRCh37 (hg19) VCF-style: chr5-148384357-G-C.
Other names: short protein forms Q1262E.
Identifiers: ClinVar variation 2184647 (VCV002184647.4), dbSNP rs559165246, ClinGen allele CA3498629.

ClinVar aggregate classification (germline): Uncertain significance (1 of 4 stars; one submission).

Conditions:
Charcot-Marie-Tooth disease type 4. Also called: Charcot-Marie-Tooth disease, type IV; Charcot-Marie-Tooth, Type 4. Identifiers: Orphanet 64749, MedGen C4082197, MONDO:0018995.

Allele frequency attached by ClinVar (database versions not stated): ExAC 0.00001; gnomAD 0.00001; 1000 Genomes Project 30x 0.00016; 1000 Genomes Project 0.00020.

Submission:

Labcorp Genetics (formerly Invitae), Labcorp
Classification: Uncertain significance for Charcot-Marie-Tooth disease type 4. Last evaluated: 2023-07-17. Review status: criteria provided, single submitter. Criteria: Invitae Variant Classification Sherloc (09022015). Collection method: clinical testing. Allele origin: germline.
Comment: ClinVar contains an entry for this variant (Variation ID: 2184647). This variant has not been reported in the literature in individuals affected with SH3TC2-related conditions. This variant is present in population databases (rs559165246, gnomAD 0.003%). This sequence change replaces glutamine, which is neutral and polar, with glutamic acid, which is acidic and polar, at codon 1262 of the SH3TC2 protein (p.Gln1262Glu). In summary, the available evidence is currently insufficient to determine the role of this variant in disease. Therefore, it has been classified as a Variant of Uncertain Significance. Advanced modeling of protein sequence and biophysical properties (such as structural, functional, and spatial information, amino acid conservation, physicochemical variation, residue mobility, and thermodynamic stability) performed at Invitae indicates that this missense variant is not expected to disrupt SH3TC2 protein function.